The following is an entry in ClinVar:

NM_005475.3(SH2B3):c.58G>A (p.Ala20Thr)

Gene: SH2B3 (SH2B adaptor protein 3; plus strand). Cytogenetic location: 12q24.12.
Variant type: single nucleotide variant.
Coding change: c.58G>A on transcript NM_005475.3 (MANE Select); coding-DNA position 58, G replaced by A.
Protein change: p.Ala20Thr; replaces alanine 20 with threonine.
Molecular consequence: missense variant.
Genome position (GRCh38, 1-based): chr12:111,418,203, G>A. VCF-style: chr12-111418203-G-A. GRCh37 (hg19) VCF-style: chr12-111856007-G-A.
Other names: short protein forms A20T.
Identifiers: ClinVar variation 4630749 (VCV004630749.1).

ClinVar aggregate classification (germline): Uncertain significance (1 of 4 stars; one submission).

Conditions:
Inborn genetic diseases. Identifiers: MedGen C0950123, MeSH D030342.

gnomAD v4.1: 2 of 1,577,238 alleles (0.00013%); highest among the groups gnomAD compares: Non-Finnish European, 0.00017%; no homozygotes.

Submission:

Ambry Genetics
Classification: Uncertain significance for Inborn genetic diseases. Last evaluated: 2025-11-10. Review status: criteria provided, single submitter. Criteria: Ambry Variant Classification Scheme 2023. Collection method: clinical testing. Allele origin: germline.
Comment: The p.A20T variant (also known as c.58G>A), located in coding exon 1 of the SH2B3 gene, results from a G to A substitution at nucleotide position 58. The alanine at codon 20 is replaced by threonine, an amino acid with similar properties. This amino acid position is conserved. In addition, this alteration is predicted to be tolerated by in silico analysis. Based on the available evidence, the clinical significance of this variant remains unclear.